The following is an entry in ClinVar:

ClinVar aggregate classification (germline): Pathogenic (1 of 4 stars; one submission).

Conditions:
Familial adenomatous polyposis 1 (FAP1). Also called: POLYPOSIS, ADENOMATOUS INTESTINAL; FAMILIAL ADENOMATOUS POLYPOSIS 1, ATTENUATED. Identifiers: MedGen C2713442, MONDO:0021056, OMIM 175100. Disease mechanism: loss of function.

Submission:

Labcorp Genetics (formerly Invitae), Labcorp
Classification: Pathogenic for Familial adenomatous polyposis 1. Last evaluated: 2022-09-01. Review status: criteria provided, single submitter. Criteria: Invitae Variant Classification Sherloc (09022015). Collection method: clinical testing. Allele origin: germline.
Comment: This sequence change creates a premature translational stop signal (p.Phe82Glufs*2) in the APC gene. It is expected to result in an absent or disrupted protein product. Loss-of-function variants in APC are known to be pathogenic (PMID: 17963004, 20685668). This variant is not present in population databases (gnomAD no frequency). This variant has not been reported in the literature in individuals affected with APC-related conditions. For these reasons, this variant has been classified as Pathogenic.

Literature cited by the submitters: PubMed 17963004; PubMed 20685668.

NM_000038.6(APC):c.244_250del (p.Phe82fs)

Gene: APC (APC regulator of Wnt signaling pathway; plus strand). Cytogenetic location: 5q22.2.
Variant type: Deletion.
Coding change: c.244_250del on transcript NM_000038.6 (MANE Select); coding-DNA positions 244 to 250, 7 bases deleted (TTCCCTG; older notation c.244_250delTTCCCTG).
Protein change: p.Phe82fs; shifts the reading frame from phenylalanine 82.
Molecular consequence: frameshift variant. On other transcripts: 5 prime UTR variant (1).
Genome position (GRCh38, 1-based): chr5:112,767,212-112,767,218, TTCCCTG deleted. VCF-style (leftmost placement, unchanged base first): chr5-112767211-TTTCCCTG-T. GRCh37 (hg19) VCF-style: chr5-112102908-TTTCCCTG-T.
Other names: c.244_250del, p.Phe82fs (NM_001127510.3, NM_001354895.2, NM_001354896.2 and 2 more transcripts); c.274_280del, p.Phe92fs (NM_001127511.3, NM_001354897.2, NM_001354902.2); c.169_175del, p.Phe57fs (NM_001354898.2, NM_001354904.2); c.67_73del, p.Phe23fs (NM_001354900.2, NM_001354901.2, NM_001354905.2); c.-792_-786del (NM_001354906.2); c.274_280delTTCCCTG, p.Phe92Glufs (NM_001407446.1); c.244_250delTTCCCTG, p.Phe82Glufs (NM_001407447.1, NM_001407448.1, NM_001407449.1 and 11 more transcripts); c.169_175delTTCCCTG, p.Phe57Glufs (NM_001407451.1); and 2 more; short protein forms F82fs, F23fs, F57fs, F92fs.
Identifiers: ClinVar variation 2092032 (VCV002092032.4), dbSNP rs2532290807, ClinGen allele CA2580072292.